The following is an entry in ClinVar:

NM_014009.4(FOXP3):c.748_750del (p.Lys250del)

Gene: FOXP3 (forkhead box P3; minus strand). Cytogenetic location: Xp11.23.
Variant type: Deletion.
Coding change: c.748_750del on transcript NM_014009.4 (MANE Select); coding-DNA positions 748 to 750, 3 bases deleted (AAG; older notation c.748_750delAAG).
Protein change: p.Lys250del; deletes lysine 250.
Molecular consequence: inframe deletion.
Genome position (GRCh38, 1-based): chrX:49,255,495-49,255,497, CTT deleted on the plus strand (AAG on the coding strand, the reverse complement: FOXP3 is on the minus strand); deleting any 3 consecutive bases within chrX:49,255,495-49,255,499 gives the same sequence; the c. name uses the placement nearest the transcript's 3' end. VCF-style (leftmost placement, unchanged base first): chrX-49255494-CCTT-C. GRCh37 (hg19) VCF-style: chrX-49111955-CCTT-C.
Other names: c.748_750delAAG (NM_014009.3); c.643_645del, p.Lys215del (NM_001114377.2); short protein forms K250del, K215del.
Identifiers: ClinVar variation 499890 (VCV000499890.15), dbSNP rs1557116163, ClinGen allele CA658799739.

ClinVar aggregate classification (germline): Pathogenic/Likely pathogenic. Review status: criteria provided, multiple submitters, no conflicts (2 of 4 stars). 4 submissions from 4 submitters: Pathogenic (2); Likely pathogenic (1). 1 of the submissions does not count toward it. Last evaluated 2021-08-14.

Conditions:
Insulin-dependent diabetes mellitus secretory diarrhea syndrome (IPEX). Also called: DIABETES MELLITUS, CONGENITAL INSULIN-DEPENDENT, WITH FATAL SECRETORY DIARRHEA; DIARRHEA, POLYENDOCRINOPATHY, FATAL INFECTION SYNDROME, X-LINKED; ENTEROPATHY, AUTOIMMUNE, WITH HEMOLYTIC ANEMIA AND POLYENDOCRINOPATHY; IMMUNODEFICIENCY, POLYENDOCRINOPATHY, AND ENTEROPATHY, X-LINKED; IPEX and IPEX-Like; Immunodysregulation, polyendocrinopathy, and enteropathy, X-linked. Identifiers: Orphanet 37042, MedGen C0342288, MONDO:0010580, OMIM 304790. Disease mechanism: loss of function.

Submissions (4):

Labcorp Genetics (formerly Invitae), Labcorp
Classification: Pathogenic for Insulin-dependent diabetes mellitus secretory diarrhea syndrome. Last evaluated: 2021-08-14. Review status: criteria provided, single submitter. Criteria: Invitae Variant Classification Sherloc (09022015). Collection method: clinical testing. Allele origin: germline.
Comment: This variant, c.748_750del, results in the deletion of 1 amino acid(s) of the FOXP3 protein (p.Lys250del), but otherwise preserves the integrity of the reading frame. This variant is not present in population databases (ExAC no frequency). This variant has been observed in individual(s) with clinical features of immunodysregulation, polyendocrinopathy, and enteropathy (IPEX) syndrome (PMID: 29907148, 19189134, 12161590, 30443250, Invitae). This variant is also known as delE251. ClinVar contains an entry for this variant (Variation ID: 499890). This variant has been reported to affect FOXP3 protein function (PMID: 16920951, 17586580). For these reasons, this variant has been classified as Pathogenic.

Eurofins Ntd Llc (ga)
Classification: Likely pathogenic. Last evaluated: 2017-03-01. Review status: criteria provided, single submitter. Criteria: EGL Classification Definitions 2015. Collection method: clinical testing. Allele origin: germline. Observed: 1 variant allele, 1 hemizygote.

Neuberg Centre For Genomic Medicine, NCGM
Classification: Pathogenic for Insulin-dependent diabetes mellitus secretory diarrhea syndrome. Review status: criteria provided, single submitter. Criteria: ACMG Guidelines, 2015. Collection method: clinical testing. Allele origin: germline. Inheritance: X-linked recessive inheritance. Affected: yes.
Comment: The in-frame deletion p.K250del in FOXP3 (NM_014009.4) has been observed in multiple affected individuals with IPEX syndrome (Gambineri E et al,Wildin RS et al,Hashimura Y et al). The variant has been submitted to ClinVar as Pathogenic.The p.K250del variant is novel (not in any individuals) in gnomAD Exomes and is novel (not in any individuals) in 1000 Genomes. This variant results in a deletion of a lysine at position 250 of the FOXP3 gene. However, as this is an in-frame deletion, it is not expected to result in either a truncated protein product or loss of protein through nonsense-mediated mRNA decay. The nucleotide c.748 in FOXP3 is predicted conserved by GERP++ and PhyloP across 100 vertebrates. For these reasons, this variant has been classified as Pathogenic.

Clinical Genomics, Uppaluri K&H Personalized Medicine Clinic
Classification: Likely benign for Insulin-dependent diabetes mellitus secretory diarrhea syndrome. Review status: flagged submission. Criteria: K & H Uppaluri Personalized Medicine Clinic Variant Classification & Assertion Criteria_Updated V.1. Collection method: research. Allele origin: unknown. Inheritance: X-linked recessive inheritance. Not counted in ClinVar's aggregate classification.
Comment: Potent mutations in FOXP3 gene are associated with a rare X linked condition called IPEX. It presents with immune dysregulation, secretory diarrhea, polyendocrinopathy which includes diabtes type 1, thyroiditis, growth hormone deficiency and hypoadrenalism. It is associated with pancreatic beta cell destruction.However no sufficient evidence is found to ascertain the role of this particular variant rs1557116163, yet.
ClinVar note: Reason: Outlier claim with insufficient supporting evidence

Literature cited by the submitters: PubMed 29907148 (cited by Labcorp Genetics (formerly Invitae), Labcorp); PubMed 19189134 (cited by Labcorp Genetics (formerly Invitae), Labcorp and Eurofins Ntd Llc (ga)); PubMed 12161590 (cited by Labcorp Genetics (formerly Invitae), Labcorp and Eurofins Ntd Llc (ga)); PubMed 30443250 (cited by Labcorp Genetics (formerly Invitae), Labcorp); PubMed 16920951 (cited by Labcorp Genetics (formerly Invitae), Labcorp); PubMed 17586580 (cited by Labcorp Genetics (formerly Invitae), Labcorp and Eurofins Ntd Llc (ga)); PubMed 29193502 (cited by Clinical Genomics, Uppaluri K&H Personalized Medicine Clinic); PubMed 33194927 (cited by Clinical Genomics, Uppaluri K&H Personalized Medicine Clinic); PubMed 11137993 (cited by Clinical Genomics, Uppaluri K&H Personalized Medicine Clinic); PubMed 23313429 (cited by Clinical Genomics, Uppaluri K&H Personalized Medicine Clinic); PubMed 33523441 (cited by Clinical Genomics, Uppaluri K&H Personalized Medicine Clinic).